The following is an entry in ClinVar:

ClinVar aggregate classification (germline): Uncertain significance (1 of 4 stars; one submission).

Conditions:
Hypertrophic cardiomyopathy. Also called: HYPERTROPHIC MYOCARDIOPATHY. Identifiers: Orphanet 217569, MedGen C0007194, MeSH D002312, MONDO:0005045, HP:0001639.

gnomAD v4.1: 16 of 1,605,676 alleles (0.001%); highest among the groups gnomAD compares: African/African-American, 0.016%; no homozygotes.

Submission:

Labcorp Genetics (formerly Invitae), Labcorp
Classification: Uncertain significance for Hypertrophic cardiomyopathy. Last evaluated: 2025-12-09. Review status: criteria provided, single submitter. Criteria: Invitae Variant Classification Sherloc (09022015). Collection method: clinical testing. Allele origin: germline.
Comment: This sequence change creates a premature translational stop signal (p.Trp455*) in the MYOM1 gene. It is expected to result in an absent or disrupted protein product. However, the current clinical and genetic evidence is not sufficient to establish whether loss-of-function variants in MYOM1 cause disease. This variant is present in population databases (rs374593777, gnomAD 0.02%). This variant has not been reported in the literature in individuals affected with MYOM1-related conditions. ClinVar contains an entry for this variant (Variation ID: 3704017). In summary, the available evidence is currently insufficient to determine the role of this variant in disease. Therefore, it has been classified as a Variant of Uncertain Significance.

NM_003803.4(MYOM1):c.1365G>A (p.Trp455Ter)

Gene: MYOM1 (myomesin 1; minus strand). Cytogenetic location: 18p11.31.
Variant type: single nucleotide variant.
Coding change: c.1365G>A on transcript NM_003803.4 (MANE Select); coding-DNA position 1365, G replaced by A.
Protein change: p.Trp455Ter; replaces tryptophan 455 with a stop codon.
Molecular consequence: nonsense.
Genome position (GRCh38, 1-based): chr18:3,164,414, C>T on the plus strand (G>A on the coding strand, the complement: MYOM1 is on the minus strand). VCF-style: chr18-3164414-C-T. GRCh37 (hg19) VCF-style: chr18-3164412-C-T.
Other names: c.1365G>A, p.Trp455Ter (NM_019856.2); short protein forms W455*.
Identifiers: ClinVar variation 3704017 (VCV003704017.2).